The following is an entry in ClinVar:

NM_007294.4(BRCA1):c.5326C>T (p.Pro1776Ser)

Gene: BRCA1 (BRCA1 DNA repair associated; minus strand). Cytogenetic location: 17q21.31.
Variant type: single nucleotide variant.
Coding change: c.5326C>T on transcript NM_007294.4 (MANE Select); coding-DNA position 5326, C replaced by T.
Protein change: p.Pro1776Ser; replaces proline 1776 with serine.
Molecular consequence: missense variant. On other transcripts: non-coding transcript variant (1).
Genome position (GRCh38, 1-based): chr17:43,051,069, G>A on the plus strand (C>T on the coding strand, the complement: BRCA1 is on the minus strand). VCF-style: chr17-43051069-G-A. GRCh37 (hg19) VCF-style: chr17-41203086-G-A.
Other names: c.5113C>T, p.Pro1705Ser (NM_001407571.1, NM_001407894.1, NM_001407895.1 and 12 more transcripts); c.5392C>T, p.Pro1798Ser (NM_001407581.1, NM_001407582.1); c.5389C>T, p.Pro1797Ser (NM_001407583.1, NM_001407585.1, NM_001407587.1 and 1 more transcripts); c.5386C>T, p.Pro1796Ser (NM_001407590.1, NM_001407591.1); c.5326C>T, p.Pro1776Ser (NM_001407593.1, NM_001407594.1, NM_001407596.1 and 6 more transcripts); c.5323C>T, p.Pro1775Ser (NM_001407618.1, NM_001407619.1, NM_001407620.1 and 17 more transcripts); c.5320C>T, p.Pro1774Ser (NM_001407637.1, NM_001407638.1, NM_001407639.1 and 14 more transcripts); c.5317C>T, p.Pro1773Ser (NM_001407644.1, NM_001407645.1); and 72 more; short protein forms P1776S, P672S, P1729S, P1797S, P1479S, P1648S, P1665S, P1686S.
Identifiers: ClinVar variation 409312 (VCV000409312.19), dbSNP rs1800757, ClinGen allele CA10590897.

ClinVar aggregate classification (germline): Conflicting classifications of pathogenicity. Review status: criteria provided, conflicting classifications (1 of 4 stars). 6 submissions from 6 submitters: Uncertain significance (5); Likely benign (1). Last evaluated 2025-12-10.

Conditions:
Breast-ovarian cancer, familial, susceptibility to, 1 (BROVCA1). Also called: BRCA1 Hereditary Breast and Ovarian Cancer; OVARIAN CANCER, SUSCEPTIBILITY TO. Identifiers: Orphanet 145, MedGen C2676676, MONDO:0011450, OMIM 604370. Disease mechanism: loss of function.
Hereditary breast ovarian cancer syndrome. Also called: Hereditary breast and ovarian cancer syndrome; Breast and ovarian cancer; Hereditary breast and ovarian cancer syndrome (HBOC); Hereditary breast and/or ovarian cancer syndrome; BRCA1- and BRCA2-Associated Hereditary Breast and Ovarian Cancer; Hereditary breast and ovarian cancer. Identifiers: Orphanet 145, MedGen C0677776, MeSH D061325, MONDO:0003582. Disease mechanism: loss of function.
Hereditary cancer-predisposing syndrome. Also called: Neoplastic Syndromes, Hereditary; Hereditary neoplastic syndrome; Hereditary Cancer Syndrome; Tumor predisposition. Identifiers: Orphanet 140162, MedGen C0027672, MeSH D009386, MONDO:0015356.

Allele frequency attached by ClinVar (database versions not stated): TOPMed below 0.00001; ESP Exome Variant Server 0.00008.

Submissions (7):

Labcorp Genetics (formerly Invitae), Labcorp
Classification: Uncertain significance for Hereditary breast ovarian cancer syndrome. Last evaluated: 2025-12-10. Review status: criteria provided, single submitter. Criteria: Invitae Variant Classification Sherloc (09022015). Collection method: clinical testing. Allele origin: germline.
Comment: This sequence change replaces proline, which is neutral and non-polar, with serine, which is neutral and polar, at codon 1776 of the BRCA1 protein (p.Pro1776Ser). This variant is not present in population databases (gnomAD no frequency). This missense change has been observed in individual(s) with ovarian cancer (PMID: 10196379, 15172985). ClinVar contains an entry for this variant (Variation ID: 409312). Invitae Evidence Modeling incorporating data from in vitro experimental studies (PMID: 30209399) indicates that this missense variant is not expected to disrupt BRCA1 function with a negative predictive value of 95%. Experimental studies have shown that this missense change does not substantially affect BRCA1 function (PMID: 30209399, 30458859). In summary, the available evidence is currently insufficient to determine the role of this variant in disease. Therefore, it has been classified as a Variant of Uncertain Significance.

Color Diagnostics, LLC DBA Color Health
Classification: Uncertain significance for Hereditary cancer-predisposing syndrome. Last evaluated: 2024-05-24. Review status: criteria provided, single submitter. Criteria: ACMG Guidelines, 2015. Collection method: clinical testing. Allele origin: germline.
Comment: This missense variant replaces proline with serine at codon 1776 of the BRCA1 protein. Computational prediction is inconclusive regarding the impact of this variant on protein structure and function. Functional studies have reported that this variant does not impact BRCA1 function in a haploid cell proliferation and a transcriptional activation assay (PMID: 30209399, 30458859). This variant has been reported in an individual affected with ovarian cancer (PMID: 10196379, 15172985). This variant has not been identified in the general population by the Genome Aggregation Database (gnomAD). The available evidence is insufficient to determine the role of this variant in disease conclusively. Therefore, this variant is classified as a Variant of Uncertain Significance.

Ambry Genetics
Classification: Likely benign for Hereditary cancer-predisposing syndrome. Last evaluated: 2024-05-15. Review status: criteria provided, single submitter. Criteria: Ambry Variant Classification Scheme 2023. Collection method: clinical testing. Allele origin: germline.

Baylor Genetics
Classification: Uncertain significance for Breast-ovarian cancer, familial, susceptibility to, 1. Last evaluated: 2023-11-07. Review status: criteria provided, single submitter. Criteria: ACMG Guidelines, 2015. Collection method: clinical testing. Allele origin: unknown.

Quest Diagnostics Nichols Institute San Juan Capistrano
Classification: Uncertain significance. Last evaluated: 2023-03-02. Review status: criteria provided, single submitter. Criteria: Quest Diagnostics criteria. Collection method: clinical testing. Allele origin: unknown.
Comment: It has not been reported in large, multi-ethnic general populations. In the published literature, the variant has been reported in an individual with ovarian cancer (PMID: 10196379 (1999)). Published functional studies found that this variant is not damaging to protein function (PMIDs: 30209399 (2018) and 30458859 (2018)). Analysis of this variant using bioinformatics tools for the prediction of the effect of amino acid changes on protein structure and function yielded predictions that this variant is benign. Based on the available information, we are unable to determine the clinical significance of this variant.

GeneDx
Classification: Uncertain significance. Last evaluated: 2016-08-03. Review status: criteria provided, single submitter. Criteria: GeneDx Variant Classification (06012015). Collection method: clinical testing. Allele origin: germline. Affected: yes.
Comment: This variant is denoted BRCA1 c.5326C>T at the cDNA level, p.Pro1776Ser (P1776S) at the protein level, and results in the change of a Proline to a Serine (CCC>TCC). Also reported as BRCA1 5445C>T using alternate nomenclature, this variant was observed in an individual with ovarian cancer and no family history of cancer (Janezic 1999). BRCA1 Pro1776Ser was not observed at a significant allele frequency in the NHLBI Exome Sequencing Project. Since Proline and Serine differ in polarity, charge, size or other properties, this is considered a non-conservative amino acid substitution. BRCA1 Pro1776Ser occurs at a position that is not conserved and is located within the BRCT2 domain and a region known to interact with multiple proteins (Paul 2014, UniProt). In silico analyses predict that this variant is probably damaging to protein structure and function. Based on currently available evidence, it is unclear whether BRCA1 Pro1776Ser is a pathogenic or benign variant. We consider it to be a variant of uncertain significance.

Brotman Baty Institute, University of Washington
No classification provided (evidence only). Condition: Breast-ovarian cancer, familial 1. Review status: no classification provided. Collection method: in vitro. Allele origin: not applicable. Functional consequence: functionally_normal. Not counted in ClinVar's aggregate classification.
ClinVar note: "not provided" was previously submitted as the classification for the variant. However, the classification appeared to be based only on an observation of functional data so it was converted to no classification on 2025-07-30.

Literature cited by the submitters: PubMed 10196379 (cited by 4 submitters); PubMed 15172985 (cited by 3 submitters); PubMed 30209399 (cited by 4 submitters); PubMed 30458859 (cited by 3 submitters).